The following is an entry in ClinVar:

ClinVar aggregate classification (germline): Uncertain significance (1 of 4 stars; one submission).

Submission:

Ambry Genetics
Classification: Uncertain significance. Last evaluated: 2024-09-19. Review status: criteria provided, single submitter. Criteria: Ambry Variant Classification Scheme 2023. Collection method: clinical testing. Allele origin: germline.
Comment: The p.K1110M variant (also known as c.3329A>T), located in coding exon 4 of the ALPK2 gene, results from an A to T substitution at nucleotide position 3329. The lysine at codon 1110 is replaced by methionine, an amino acid with similar properties. This amino acid position is conserved. In addition, this alteration is predicted to be tolerated by in silico analysis. Based on the available evidence, the clinical significance of this variant remains unclear.

NM_052947.4(ALPK2):c.3329A>T (p.Lys1110Met)

Gene: ALPK2 (alpha kinase 2; minus strand). Cytogenetic location: 18q21.31.
Variant type: single nucleotide variant.
Coding change: c.3329A>T on transcript NM_052947.4 (MANE Select); coding-DNA position 3329, A replaced by T.
Protein change: p.Lys1110Met; replaces lysine 1110 with methionine.
Molecular consequence: missense variant.
Genome position (GRCh38, 1-based): chr18:58,536,858, T>A on the plus strand (A>T on the coding strand, the complement: ALPK2 is on the minus strand). VCF-style: chr18-58536858-T-A. GRCh37 (hg19) VCF-style: chr18-56204090-T-A.
Other names: short protein forms K1110M.
Identifiers: ClinVar variation 3530111 (VCV003530111.1).